The following is an entry in ClinVar:

ClinVar aggregate classification (germline): Likely benign. Review status: criteria provided, multiple submitters, no conflicts (2 of 4 stars). 5 submissions from 5 submitters: Likely benign (4). 1 of the submissions does not count toward it. Last evaluated 2026-01-18.

Conditions:
Hereditary cancer-predisposing syndrome. Also called: Neoplastic Syndromes, Hereditary; Hereditary neoplastic syndrome; Hereditary Cancer Syndrome; Tumor predisposition. Identifiers: Orphanet 140162, MedGen C0027672, MeSH D009386, MONDO:0015356.
POLD1-related polyposis and colorectal cancer syndrome (CRCS10). Also called: Colorectal cancer, susceptibility to, 10; Colorectal cancer 10; COLORECTAL CANCER, SUSCEPTIBILITY TO, ON CHROMOSOME 19q. Identifiers: Orphanet 220460, MedGen C2675481, MONDO:0012953, OMIM 612591.
POLD1-related disorder. Also called: POLD1-related disorders; POLD1-related condition.

Allele frequency attached by ClinVar (database versions not stated): gnomAD exomes 0.00002; ExAC 0.00003; gnomAD 0.00003; TOPMed 0.00004.
gnomAD v4.1: 21 of 1,612,760 alleles (0.0013%); highest among the groups gnomAD compares: South Asian, 0.0055%; no homozygotes.

Submissions (5):

Labcorp Genetics (formerly Invitae), Labcorp
Classification: Likely benign for POLD1-related polyposis and colorectal cancer syndrome. Last evaluated: 2026-01-18. Review status: criteria provided, single submitter. Criteria: Invitae Variant Classification Sherloc (09022015). Collection method: clinical testing. Allele origin: germline.

Sema4
Classification: Likely benign for Hereditary cancer-predisposing syndrome. Last evaluated: 2021-03-01. Review status: criteria provided, single submitter. Criteria: Sema4 Curation Guidelines. Collection method: curation. Allele origin: germline.

GeneDx
Classification: Likely benign. Last evaluated: 2019-05-20. Review status: criteria provided, single submitter. Criteria: GeneDx Variant Classification Process June 2021. Collection method: clinical testing. Allele origin: germline. Affected: yes.

Ambry Genetics
Classification: Likely benign for Hereditary cancer-predisposing syndrome. Last evaluated: 2016-05-16. Review status: criteria provided, single submitter. Criteria: Ambry Variant Classification Scheme 2023. Collection method: clinical testing. Allele origin: germline.

PreventionGenetics, part of Exact Sciences
Classification: Likely benign for POLD1-related condition. Last evaluated: 2019-12-23. Review status: no assertion criteria provided. Collection method: clinical testing. Allele origin: germline. Not counted in ClinVar's aggregate classification.
Comment: This variant is classified as likely benign based on ACMG/AMP sequence variant interpretation guidelines (Richards et al. 2015 PMID: 25741868, with internal and published modifications).

NM_002691.4(POLD1):c.2670G>A (p.Ala890=)

Gene: POLD1 (DNA polymerase delta 1, catalytic subunit; plus strand). Cytogenetic location: 19q13.33.
Variant type: single nucleotide variant.
Coding change: c.2670G>A on transcript NM_002691.4 (MANE Select); coding-DNA position 2670, G replaced by A.
Protein change: p.Ala890=; no amino-acid change (alanine 890 retained).
Molecular consequence: synonymous variant. On other transcripts: non-coding transcript variant (1).
Genome position (GRCh38, 1-based): chr19:50,415,543, G>A. VCF-style: chr19-50415543-G-A. GRCh37 (hg19) VCF-style: chr19-50918800-G-A.
Other names: c.2670G>A, p.Ala890= (NM_001256849.1); c.2748G>A, p.Ala916= (NM_001308632.1).
Identifiers: ClinVar variation 392034 (VCV000392034.20), dbSNP rs780344110, ClinGen allele CA9596606.